The following is an entry in ClinVar:

ClinVar aggregate classification (germline): Benign. Review status: reviewed by expert panel (3 of 4 stars). 3 submissions from 3 submitters: Benign (1). 2 of the submissions do not count toward it. Last evaluated 2022-07-05.

Conditions:
Hereditary thrombocytopenia and hematologic cancer predisposition syndrome. Identifiers: Orphanet 71290, MedGen CN281654, MONDO:0011071.
Inborn genetic diseases. Identifiers: MedGen C0950123, MeSH D030342.
Hereditary thrombocytopenia and hematological cancer predisposition syndrome associated with RUNX1. Also called: PLATELET DISORDER, ASPIRIN-LIKE; RUNX1 Familial Platelet Disorder with Associated Myeloid Malignancies; Familial Platelet Disorder with Propensity to Acute Myelogenous Leukemia; Familial thrombocytopenia with propensity to acute myelogenous leukemia. Identifiers: Orphanet 71290, MedGen C1832388, MeSH C563324, MONDO:0100083, OMIM 601399.

gnomAD v4.1: 38 of 1,594,710 alleles (0.0024%); highest among the groups gnomAD compares: East Asian, 0.084%; no homozygotes.

Submissions (3):

ClinGen Myeloid Malignancy Variant Curation Expert Panel
Classification: Benign for Hereditary thrombocytopenia and hematologic cancer predisposition syndrome. Last evaluated: 2022-07-05. Review status: reviewed by expert panel. Criteria: ClinGen MyeloMalig ACMG Specifications v2. Collection method: curation. Allele origin: germline. Inheritance: Autosomal dominant inheritance.
Comment: NM_001754.5(RUNX1):c.1086G>T (p.Ser362=) is a synonymous variant. AF 0.0006271 (0.06271%)( 10/15946 in East Asian subpopulation in gnomAD v2.1.1.) is 0.015% between 0.15% (BS1). REVEL score not calculable as this is a synonymous variant. SpliceAI predicts the following: Acceptor loss 0.00, Donor loss 0.00, Acceptor gain 0.00, Donor gain 0.00 (BP4). Evolutionary conservation prediction algorithms predict the site as not being conserved (PhyloP score -0.503315 < 2.0 or the variant is the reference nucleotide in one primate and/or three mammal species) (BP7). In summary, this variant meets criteria to be classified as benign. ACMG/AMP criteria applied, as specified by the Myeloid Malignancy Variant Curation Expert Panel for RUNX1: BS1, BP4, BP7.

Labcorp Genetics (formerly Invitae), Labcorp
Classification: Likely benign for Hereditary thrombocytopenia and hematological cancer predisposition syndrome associated with RUNX1. Last evaluated: 2025-05-05. Review status: criteria provided, single submitter. Criteria: Invitae Variant Classification Sherloc (09022015). Collection method: clinical testing. Allele origin: germline. Not counted in ClinVar's aggregate classification.

Ambry Genetics
Classification: Likely benign for Inborn genetic diseases. Last evaluated: 2024-08-21. Review status: criteria provided, single submitter. Criteria: Ambry Variant Classification Scheme 2023. Collection method: clinical testing. Allele origin: germline. Not counted in ClinVar's aggregate classification.

NM_001754.5(RUNX1):c.1086G>T (p.Ser362=)

Gene: RUNX1 (RUNX family transcription factor 1; minus strand). Cytogenetic location: 21q22.12.
Variant type: single nucleotide variant.
Coding change: c.1086G>T on transcript NM_001754.5 (MANE Select); coding-DNA position 1086, G replaced by T.
Protein change: p.Ser362=; no amino-acid change (serine 362 retained).
Molecular consequence: synonymous variant.
Genome position (GRCh38, 1-based): chr21:34,792,492, C>A on the plus strand (G>T on the coding strand, the complement: RUNX1 is on the minus strand). VCF-style: chr21-34792492-C-A. GRCh37 (hg19) VCF-style: chr21-36164789-C-A.
Other names: NM_001754.5(RUNX1):c.1086G>T; p.Ser362=; c.1086G>T (NM_001754.4); c.1005G>T, p.Ser335= (NM_001001890.3).
Identifiers: ClinVar variation 1078219 (VCV001078219.11), dbSNP rs143947839, ClinGen allele CA10014208.